The following is an entry in ClinVar:

NM_030769.3(NPL):c.165C>T (p.Gly55=)

Gene: NPL (N-acetylneuraminate pyruvate lyase; plus strand). Cytogenetic location: 1q25.3.
Variant type: single nucleotide variant.
Coding change: c.165C>T on transcript NM_030769.3 (MANE Select); coding-DNA position 165, C replaced by T.
Protein change: p.Gly55=; no amino-acid change (glycine 55 retained).
Molecular consequence: synonymous variant. On other transcripts: 5 prime UTR variant (1).
Genome position (GRCh38, 1-based): chr1:182,806,167, C>T. VCF-style: chr1-182806167-C-T. GRCh37 (hg19) VCF-style: chr1-182775302-C-T.
Other names: c.-192C>T (NM_001200050.2); c.165C>T, p.Gly55= (NM_001200051.2, NM_001200052.2, NM_001200056.2).
Identifiers: ClinVar variation 3250922 (VCV003250922.18), dbSNP rs776456114.

ClinVar aggregate classification (germline): Likely benign (1 of 4 stars; one submission).

Allele frequency attached by ClinVar (database versions not stated): TOPMed below 0.00001; gnomAD 0.00001; gnomAD exomes 0.00001; ExAC 0.00003.
gnomAD v4.1: 24 of 1,614,108 alleles (0.0015%); highest among the groups gnomAD compares: South Asian, 0.0044%; no homozygotes.

Submission:

CeGaT Center for Human Genetics Tuebingen
Classification: Likely benign. Last evaluated: 2024-06-01. Review status: criteria provided, single submitter. Criteria: CeGaT Center For Human Genetics Tuebingen Variant Classification Criteria Version 2. Collection method: clinical testing. Allele origin: germline. Affected: yes. Observed: 1 variant allele.
Comment: NPL: BP4, BP7